The following is an entry in ClinVar:

NM_002230.4(JUP):c.712C>G (p.Pro238Ala)

Gene: JUP (junction plakoglobin; minus strand). Cytogenetic location: 17q21.2.
Variant type: single nucleotide variant.
Coding change: c.712C>G on transcript NM_002230.4 (MANE Select); coding-DNA position 712, C replaced by G.
Protein change: p.Pro238Ala; replaces proline 238 with alanine.
Molecular consequence: missense variant.
Genome position (GRCh38, 1-based): chr17:41,767,576, G>C on the plus strand (C>G on the coding strand, the complement: JUP is on the minus strand). VCF-style: chr17-41767576-G-C. GRCh37 (hg19) VCF-style: chr17-39923828-G-C.
Other names: c.712C>G, p.Pro238Ala (NM_001352773.2, NM_001352774.2, NM_001352775.2 and 3 more transcripts); short protein forms P238A.
Identifiers: ClinVar variation 4089550 (VCV004089550.1).

ClinVar aggregate classification (germline): Uncertain significance (1 of 4 stars; one submission).

Conditions:
Cardiovascular phenotype. Identifiers: MedGen CN230736.

Submission:

Ambry Genetics
Classification: Uncertain significance for Cardiovascular phenotype. Last evaluated: 2025-06-23. Review status: criteria provided, single submitter. Criteria: Ambry Variant Classification Scheme 2023. Collection method: clinical testing. Allele origin: germline.
Comment: The p.P238A variant (also known as c.712C>G), located in coding exon 4 of the JUP gene, results from a C to G substitution at nucleotide position 712. The proline at codon 238 is replaced by alanine, an amino acid with highly similar properties. This amino acid position is conserved. In addition, the in silico prediction for this alteration is inconclusive. Based on the available evidence, the clinical significance of this variant remains unclear.